The following is an entry in ClinVar:

ClinVar aggregate classification (germline): Uncertain significance (1 of 4 stars; one submission).

Submission:

GeneDx
Classification: Uncertain significance. Last evaluated: 2024-05-17. Review status: criteria provided, single submitter. Criteria: GeneDx Variant Classification Process June 2021. Collection method: clinical testing. Allele origin: germline. Affected: yes.
Comment: Not observed at significant frequency in large population cohorts (gnomAD); In silico analysis indicates that this missense variant does not alter protein structure/function; Has not been previously published as pathogenic or benign to our knowledge

NM_133433.4(NIPBL):c.1586G>T (p.Gly529Val)

Gene: NIPBL (NIPBL cohesin loading factor; plus strand). Cytogenetic location: 5p13.2.
Variant type: single nucleotide variant.
Coding change: c.1586G>T on transcript NM_133433.4 (MANE Select); coding-DNA position 1586, G replaced by T.
Protein change: p.Gly529Val; replaces glycine 529 with valine.
Molecular consequence: missense variant.
Genome position (GRCh38, 1-based): chr5:36,984,766, G>T. VCF-style: chr5-36984766-G-T. GRCh37 (hg19) VCF-style: chr5-36984868-G-T.
Other names: c.1586G>T, p.Gly529Val (NM_015384.5); short protein forms G529V.
Identifiers: ClinVar variation 3377979 (VCV003377979.1).